The following is an entry in ClinVar:

NM_024426.6(WT1):c.1012A>G (p.Ser338Gly)

Gene: WT1 (WT1 transcription factor; minus strand). Cytogenetic location: 11p13.
Variant type: single nucleotide variant.
Coding change: c.1012A>G on transcript NM_024426.6 (MANE Select); coding-DNA position 1012, A replaced by G.
Protein change: p.Ser338Gly; replaces serine 338 with glycine.
Molecular consequence: missense variant. On other transcripts: non-coding transcript variant (1), intron variant (2).
Genome position (GRCh38, 1-based): chr11:32,416,494, T>C on the plus strand (A>G on the coding strand, the complement: WT1 is on the minus strand). VCF-style: chr11-32416494-T-C. GRCh37 (hg19) VCF-style: chr11-32438040-T-C.
Other names: c.361A>G, p.Ser121Gly (NM_001198551.2); c.1012A>G, p.Ser338Gly (NM_001407044.1, NM_001407046.1, NM_024424.5); c.889A>G, p.Ser297Gly (NM_001407047.1); c.250A>G, p.Ser84Gly (NM_001407051.1); c.965+1083A>G (NM_000378.6); c.314+1083A>G (NM_001198552.2); short protein forms S121G, S338G, S84G, S333G, S297G.
Identifiers: ClinVar variation 1507618 (VCV001507618.9), dbSNP rs1852674776, ClinGen allele CA379961668.

ClinVar aggregate classification (germline): Uncertain significance (1 of 4 stars; one submission).

Conditions:
Wilms tumor 1 (WT1). Also called: Wilms tumor, somatic. Identifiers: Orphanet 654, MedGen CN033288, MONDO:0008679, OMIM 194070.
Frasier syndrome. Identifiers: Orphanet 347, MedGen C0950122, MeSH D052159, MONDO:0007635, OMIM 136680.
11p partial monosomy syndrome (WAGR). Also called: WAGR Spectrum Disorder; WAGR Complex; WAGR syndrome; CHROMOSOME 11p13 DELETION SYNDROME. Identifiers: Orphanet 893, MedGen C0206115, MONDO:0008681, OMIM 194072.
Drash syndrome (DDS). Also called: NEPHROPATHY, WILMS TUMOR, AND GENITAL ANOMALIES; WILMS TUMOR AND PSEUDO- OR TRUE HERMAPHRODITISM. Identifiers: Orphanet 220, MedGen C0950121, MONDO:0008682, OMIM 194080.

Submission:

Labcorp Genetics (formerly Invitae), Labcorp
Classification: Uncertain significance for Wilms tumor 1; Drash syndrome; 11p partial monosomy syndrome; Frasier syndrome. Last evaluated: 2021-02-04. Review status: criteria provided, single submitter. Criteria: Invitae Variant Classification Sherloc (09022015). Collection method: clinical testing. Allele origin: germline.
Comment: This sequence change replaces serine with glycine at codon 333 of the WT1 protein (p.Ser333Gly). The serine residue is moderately conserved and there is a small physicochemical difference between serine and glycine. In summary, the available evidence is currently insufficient to determine the role of this variant in disease. Therefore, it has been classified as a Variant of Uncertain Significance. Algorithms developed to predict the effect of missense changes on protein structure and function output the following: SIFT: "Tolerated"; PolyPhen-2: "Possibly Damaging"; Align-GVGD: "Class C0". The glycine amino acid residue is found in multiple mammalian species, suggesting that this missense change does not adversely affect protein function. These predictions have not been confirmed by published functional studies and their clinical significance is uncertain. This variant has not been reported in the literature in individuals with WT1-related conditions. This variant is not present in population databases (ExAC no frequency).